The following is an entry in ClinVar:

NM_032217.5(ANKRD17):c.4802G>A (p.Gly1601Glu)

Gene: ANKRD17 (ankyrin repeat domain 17; minus strand). Cytogenetic location: 4q13.3.
Variant type: single nucleotide variant.
Coding change: c.4802G>A on transcript NM_032217.5 (MANE Select); coding-DNA position 4802, G replaced by A.
Protein change: p.Gly1601Glu; replaces glycine 1601 with glutamic acid.
Molecular consequence: missense variant.
Genome position (GRCh38, 1-based): chr4:73,098,292, C>T on the plus strand (G>A on the coding strand, the complement: ANKRD17 is on the minus strand). VCF-style: chr4-73098292-C-T. GRCh37 (hg19) VCF-style: chr4-73964009-C-T.
Other names: c.4463G>A, p.Gly1488Glu (NM_001286771.3); c.4799G>A, p.Gly1600Glu (NM_015574.2); c.4049G>A, p.Gly1350Glu (NM_198889.3); short protein forms G1350E, G1488E, G1600E, G1601E.
Identifiers: ClinVar variation 3772273 (VCV003772273.13).

ClinVar aggregate classification (germline): Uncertain significance (1 of 4 stars; one submission).

Submission:

CeGaT Center for Human Genetics Tuebingen
Classification: Uncertain significance. Last evaluated: 2025-01-01. Review status: criteria provided, single submitter. Criteria: CeGaT Center For Human Genetics Tuebingen Variant Classification Criteria Version 2. Collection method: clinical testing. Allele origin: germline. Affected: yes. Observed: 1 variant allele.
Comment: ANKRD17: PM2